The following is an entry in ClinVar:

NM_000263.4(NAGLU):c.384-3C>A

Gene: NAGLU (N-acetyl-alpha-glucosaminidase; plus strand). Cytogenetic location: 17q21.2.
Variant type: single nucleotide variant.
Coding change: c.384-3C>A on transcript NM_000263.4 (MANE Select); 3 bases into the intron before coding-DNA position 384, C replaced by A.
Molecular consequence: intron variant.
Genome position (GRCh38, 1-based): chr17:42,537,395, C>A. VCF-style: chr17-42537395-C-A. GRCh37 (hg19) VCF-style: chr17-40689413-C-A.
Identifiers: ClinVar variation 1332809 (VCV001332809.10), dbSNP rs1216280532, ClinGen allele CA626218545.
Genomic context (GRCh38, chr17:42,537,395, plus strand): 5'-TTTGTTCCAGGGCCGTGGACCCTCCAGGGTGGGATGCGCCCCTGCTCATGACACTGCCCG[C>A]AGGTACCGCTATTACCAGAATGTGTGCACGCAAAGCTACTCTTTCGTGTGGTGGGACTGG-3'

ClinVar aggregate classification (germline): Conflicting classifications of pathogenicity. Review status: criteria provided, conflicting classifications (1 of 4 stars). 5 submissions from 5 submitters: Likely pathogenic (3); Uncertain significance (2). Last evaluated 2025-12-12.

Conditions:
Charcot-Marie-Tooth disease axonal type 2V. Also called: CHARCOT-MARIE-TOOTH NEUROPATHY, TYPE 2V; CHARCOT-MARIE-TOOTH DISEASE, AXONAL, AUTOSOMAL DOMINANT, TYPE 2V. Identifiers: Orphanet 447964, MedGen C5569050, MONDO:0014665, OMIM 616491.
Mucopolysaccharidosis, MPS-III-B (MPS3B). Also called: MPS IIIB (Sanfilippo Syndrome Type B); N-ACETYL-ALPHA-D-GLUCOSAMINIDASE DEFICIENCY; NAGLU DEFICIENCY; MUCOPOLYSACCHARIDOSIS, TYPE IIIB; Mucopolysaccharidosis type IIIB (Sanfilippo B); SANFILIPPO SYNDROME B. Identifiers: Orphanet 79270, MedGen C0086648, MONDO:0009656, OMIM 252920.

gnomAD v4.1: 2 of 1,614,156 alleles (0.00012%); highest among the groups gnomAD compares: Admixed American, 0.0017%; no homozygotes.

Submissions (5):

Natera, Inc.
Classification: Likely pathogenic for Mucopolysaccharidosis type IIIB. Last evaluated: 2025-12-12. Review status: criteria provided, single submitter. Criteria: Natera Variant Classification Schema (03/2026). Collection method: clinical testing. Allele origin: germline.
Comment: The c.384-3C>A variant in NAGLU is an intronic variant located outside the canonical splice sites. This variant is rare in the general population with a frequency below the threshold expected for the associated phenotype(s). This variant has been observed in one or more individuals affected with the associated recessive disease, as either homozygous or compound heterozygous with a second variant (PMID: 38277958, 30408610). This variant has been identified in one or more affected individual with a phenotype highly consistent with the associated gene (PMID: 38277958). Computational prediction algorithms indicate this variant is likely to affect gene or protein function. Given the available evidence, this variant is classified as Likely Pathogenic.

Labcorp Genetics (formerly Invitae), Labcorp
Classification: Uncertain significance for Charcot-Marie-Tooth disease axonal type 2V; Mucopolysaccharidosis, MPS-III-B. Last evaluated: 2022-07-19. Review status: criteria provided, single submitter. Criteria: Invitae Variant Classification Sherloc (09022015). Collection method: clinical testing. Allele origin: germline.
Comment: This sequence change falls in intron 1 of the NAGLU gene. It does not directly change the encoded amino acid sequence of the NAGLU protein. It affects a nucleotide within the consensus splice site. This variant is present in population databases (no rsID available, gnomAD 0.003%). This variant has been observed in individual(s) with mucopolysaccharidosis type III (PMID: 21204211). ClinVar contains an entry for this variant (Variation ID: 1332809). Variants that disrupt the consensus splice site are a relatively common cause of aberrant splicing (PMID: 17576681, 9536098). Algorithms developed to predict the effect of sequence changes on RNA splicing suggest that this variant may disrupt the consensus splice site. In summary, the available evidence is currently insufficient to determine the role of this variant in disease. Therefore, it has been classified as a Variant of Uncertain Significance.

Revvity Omics, Revvity
Classification: Uncertain significance. Last evaluated: 2020-10-14. Review status: criteria provided, single submitter. Criteria: ACMG Guidelines, 2015. Collection method: clinical testing. Allele origin: germline.

Foundation for Research in Genetics and Endocrinology, FRIGE's Institute of Human Genetics
Classification: Likely pathogenic for Mucopolysaccharidosis, MPS-III-B. Review status: criteria provided, single submitter. Criteria: ACMG Guidelines, 2015. Collection method: clinical testing. Allele origin: germline. Inheritance: Autosomal recessive inheritance. Affected: yes. Observed: 1 compound heterozygote.
Comment: A heterozygous splice site variant c.384-3C>A in intron 1 of the NAGLU gene was observed. The variant has not been detected in 1000 genomes and gnomAD databases.The in-silico prediction of the variant is disease causing by LRT, SIFT and Mutation Taster. The reference codon is conserved across species. In summary, the variant meets our criteria to be classified as likely pathogenic.

Kasturba Medical College, Manipal, Kasturba Medical College, Manipal, Manipal Academy of Higher Education, Manipal, India
Classification: Likely pathogenic for Mucopolysaccharidosis, MPS-III-B. Review status: criteria provided, single submitter. Criteria: ACMG Guidelines, 2015. Collection method: research. Allele origin: inherited. Affected: yes.

Literature cited by the submitters: PubMed 38277958 (cited by Natera, Inc.); PubMed 30408610 (cited by Natera, Inc.); PubMed 21204211 (cited by Labcorp Genetics (formerly Invitae), Labcorp); PubMed 17576681 (cited by Labcorp Genetics (formerly Invitae), Labcorp); PubMed 9536098 (cited by Labcorp Genetics (formerly Invitae), Labcorp).